The following is an entry in ClinVar:

ClinVar aggregate classification (germline): Uncertain significance. Review status: criteria provided, multiple submitters, no conflicts (2 of 4 stars). 2 submissions from 2 submitters: Uncertain significance (2). Last evaluated 2023-10-13.

Conditions:
Knobloch syndrome (KNO). Also called: RETINAL DETACHMENT AND OCCIPITAL ENCEPHALOCELE; Myopia retinal detachment encephalocele. Identifiers: Orphanet 1571, MedGen C1849409, MONDO:0800166.

Allele frequency attached by ClinVar (database versions not stated): gnomAD exomes 0.00001; TOPMed 0.00001; gnomAD 0.00002.
gnomAD v4.1: 4 of 347,976 alleles (0.0011%); highest among the groups gnomAD compares: Non-Finnish European, 0.002%; no homozygotes.

Submissions (2):

Women's Health and Genetics/Laboratory Corporation of America, LabCorp
Classification: Uncertain significance. Last evaluated: 2023-10-13. Review status: criteria provided, single submitter. Criteria: LabCorp Variant Classification Summary - May 2015. Collection method: clinical testing. Allele origin: germline.
Comment: Variant summary: COL18A1 c.-2G>A is located in the untranslated mRNA region upstream of the initiation codon. The variant was absent in 4040 control chromosomes. The available data on variant occurrences in the general population are insufficient to allow any conclusion about variant significance. To our knowledge, no occurrence of c.-2G>A in individuals affected with Knobloch Syndrome 1 and no experimental evidence demonstrating its impact on protein function have been reported. One submitter has cited clinical-significance assessments for this variant to ClinVar after 2014 and has classified the variant as uncertain significance. Based on the evidence outlined above, the variant was classified as uncertain significance.

Illumina Laboratory Services, Illumina
Classification: Uncertain significance for Knobloch syndrome 1. Last evaluated: 2018-01-13. Review status: criteria provided, single submitter. Criteria: ICSL Variant Classification Criteria 13 December 2019. Collection method: clinical testing. Allele origin: germline.

NM_001379500.1(COL18A1):c.-2G>A

Genes: BNAT1 (breast cancer associated ESR1 regulating natural antisense transcript 1; minus strand), COL18A1 (collagen type XVIII alpha 1 chain; plus strand). Cytogenetic location: 21q22.3.
Variant type: single nucleotide variant.
Coding change: c.-2G>A on transcript NM_001379500.1 (MANE Select); 2 bases upstream of the start codon, G replaced by A.
Genome position (GRCh38, 1-based): chr21:45,405,229, G>A. VCF-style: chr21-45405229-G-A. GRCh37 (hg19) VCF-style: chr21-46825144-G-A.
Other names: NM_130445.2:c.-2G>A.
Identifiers: ClinVar variation 894998 (VCV000894998.5), dbSNP rs1321675148, ClinGen allele CA749770433.